The following is an entry in ClinVar:

NM_000419.5(ITGA2B):c.2063C>T (p.Ala688Val)

Gene: ITGA2B (integrin subunit alpha 2b; minus strand). Cytogenetic location: 17q21.31.
Variant type: single nucleotide variant.
Coding change: c.2063C>T on transcript NM_000419.5 (MANE Select); coding-DNA position 2063, C replaced by T.
Protein change: p.Ala688Val; replaces alanine 688 with valine.
Molecular consequence: missense variant.
Genome position (GRCh38, 1-based): chr17:44,378,393, G>A on the plus strand (C>T on the coding strand, the complement: ITGA2B is on the minus strand). VCF-style: chr17-44378393-G-A. GRCh37 (hg19) VCF-style: chr17-42455761-G-A.
Other names: short protein forms A688V.
Identifiers: ClinVar variation 1210185 (VCV001210185.2), dbSNP rs1245816431, ClinGen allele CA399799766.

ClinVar aggregate classification (germline): Likely pathogenic (3 of 4 stars; one submission).

Conditions:
Glanzmann thrombasthenia. Also called: BLEEDING DISORDER, PLATELET-TYPE, 2; THROMBASTHENIA OF GLANZMANN AND NAEGELI; PLATELET GLYCOPROTEIN IIb-IIIa DEFICIENCY; Thrombasthenia; Glanzmann's thrombasthenia. Identifiers: Orphanet 849, MedGen C0040015, MONDO:0100326.

Allele frequency attached by ClinVar (database versions not stated): gnomAD exomes below 0.00001; TOPMed below 0.00001.
gnomAD v4.1: 3 of 1,613,192 alleles (0.00019%); highest among the groups gnomAD compares: Admixed American, 0.0033%; no homozygotes.

Submission:

ClinGen Platelet Disorders Variant Curation Expert Panel, ClinGen
Classification: Likely pathogenic for Glanzmann thrombasthenia. Last evaluated: 2024-08-20. Review status: reviewed by expert panel. Criteria: ClinGen Platelet ACMG Specifications v2-1. Collection method: curation. Allele origin: germline. Inheritance: Autosomal recessive inheritance.
Comment: The ITGA2B missense variant NM_000419.5:c.2063C>T replaces the alanine residue with a valine residue (p.Ala688Val). This variant is very rare in control population databases; the highest population minor allele frequency in gnomAD v4.1.0 is 0.00003332 (2/60020 alleles) in the Admixed American population, which is lower than the ClinGen PD VCEP threshold (<0.0001; PM2_Supporting). It has been observed in homozygosity in one individual (Case 36 in PMID: 28983057; PM3_supporting) with a phenotype specific for Glanzmann's thrombasthenia (GT). Case 36 (in PMID: 28983057) meets all requirements for PP4 at an upgraded strength of strong (PP4_strong): bleeding phenotype strongly indicative of Glanzmann's thrombasthenia; impaired aggregation to at least two agonists, but normal or only mildly reduced agglutination with ristocetin; markedly reduced expression of GPIIb/IIIa (confirmed to be <20% by personal communication with author); direct sequencing of all exons, untranslated regions, and flanking regions of ITGA2B and ITGB3. In summary, this variant meets criteria to be classified as likely pathogenic for GT. GT-specific criteria applied: PM2_supporting, PM3_supporting, PP4_strong.